The following is an entry in ClinVar:

ClinVar aggregate classification (germline): Uncertain significance (1 of 4 stars; one submission).

Conditions:
Inborn genetic diseases. Identifiers: MedGen C0950123, MeSH D030342.

Submission:

Ambry Genetics
Classification: Uncertain significance for Inborn genetic diseases. Last evaluated: 2025-02-09. Review status: criteria provided, single submitter. Criteria: Ambry Variant Classification Scheme 2023. Collection method: clinical testing. Allele origin: germline.
Comment: The p.A1472S variant (also known as c.4414G>T), located in coding exon 1 of the SAMD9L gene, results from a G to T substitution at nucleotide position 4414. The alanine at codon 1472 is replaced by serine, an amino acid with similar properties. This amino acid position is conserved. In addition, this alteration is predicted to be tolerated by in silico analysis. Based on the available evidence, the clinical significance of this variant remains unclear.

NM_152703.5(SAMD9L):c.4414G>T (p.Ala1472Ser)

Gene: SAMD9L (sterile alpha motif domain containing 9 like; minus strand). Cytogenetic location: 7q21.2.
Variant type: single nucleotide variant.
Coding change: c.4414G>T on transcript NM_152703.5 (MANE Select); coding-DNA position 4414, G replaced by T.
Protein change: p.Ala1472Ser; replaces alanine 1472 with serine.
Molecular consequence: missense variant.
Genome position (GRCh38, 1-based): chr7:93,131,558, C>A on the plus strand (G>T on the coding strand, the complement: SAMD9L is on the minus strand). VCF-style: chr7-93131558-C-A. GRCh37 (hg19) VCF-style: chr7-92760871-C-A.
Other names: c.4414G>T, p.Ala1472Ser (NM_001303496.3, NM_001303497.3, NM_001303498.3 and 5 more transcripts); short protein forms A1472S.
Identifiers: ClinVar variation 3792408 (VCV003792408.1).
Genomic context (GRCh38, chr7:93,131,558, plus strand): 5'-TGGCCTTGTGAACAATACTGTTTAGACCCTTCCTTTTGCCCAGATAGAAAAGTGTGCTTG[C>A]CTGCTTGGACCTGCACATGCGCTTGTACTGTCCCCTGAAGGATCTATTTAAGGATGAAAC-3'
Protein context (NP_689916.2, residues 1462-1482): QYKRMCRSKQ[Ala1472Ser]STLFYLGKRK